The following is an entry in ClinVar:

ClinVar aggregate classification (germline): Uncertain significance (1 of 4 stars; one submission).

Conditions:
Arthrogryposis, distal, with impaired proprioception and touch (DAIPT). Identifiers: MedGen C4310692, MONDO:0014941, OMIM 617146.

Submission:

Centre for Mendelian Genomics, University Medical Centre Ljubljana
Classification: Uncertain significance for Arthrogryposis, distal, with impaired proprioception and touch. Last evaluated: 2018-10-12. Review status: criteria provided, single submitter. Criteria: ACMG Guidelines, 2015. Collection method: clinical testing. Allele origin: unknown. Affected: yes.
Comment: This variant was classified as: Uncertain significance. The available evidence favors the benign nature of this variant, however the evidence is insufficent to prove its benign nature. The following ACMG criteria were applied in classifying this variant: PM2,BP4.

NM_001378183.1(PIEZO2):c.8081+19A>C

Gene: PIEZO2 (piezo type mechanosensitive ion channel component 2; minus strand). Cytogenetic location: 18p11.22.
Variant type: single nucleotide variant.
Coding change: c.8081+19A>C on transcript NM_001378183.1 (MANE Select); 19 bases into the intron after coding-DNA position 8081, A replaced by C.
Molecular consequence: intron variant.
Genome position (GRCh38, 1-based): chr18:10,677,728, T>G on the plus strand (A>C on the coding strand, the complement: PIEZO2 is on the minus strand). VCF-style: chr18-10677728-T-G. GRCh37 (hg19) VCF-style: chr18-10677725-T-G.
Other names: c.7742+19A>C (NM_022068.4).
Identifiers: ClinVar variation 930886 (VCV000930886.3), dbSNP rs2034073823, ClinGen allele CA1139665957.